The following is an entry in ClinVar:

NM_000152.5(GAA):c.1453A>G (p.Thr485Ala)

Gene: GAA (alpha glucosidase; plus strand). Cytogenetic location: 17q25.3.
Variant type: single nucleotide variant.
Coding change: c.1453A>G on transcript NM_000152.5 (MANE Select); coding-DNA position 1453, A replaced by G.
Protein change: p.Thr485Ala; replaces threonine 485 with alanine.
Molecular consequence: missense variant.
Genome position (GRCh38, 1-based): chr17:80,110,742, A>G. VCF-style: chr17-80110742-A-G. GRCh37 (hg19) VCF-style: chr17-78084541-A-G.
Other names: c.1453A>G, p.Thr485Ala (NM_001079803.3, NM_001079804.3, NM_001406741.1 and 1 more transcripts); short protein forms T485A.
Identifiers: ClinVar variation 3634755 (VCV003634755.2).

ClinVar aggregate classification (germline): Uncertain significance (1 of 4 stars; one submission).

Conditions:
Glycogen storage disease, type II (IOPD). Also called: CARDIOMEGALIA GLYCOGENICA DIFFUSA; Glycogen storage disease type 2; Acid maltase deficiency disease; Aglucosidase alfa; Deficiency of alpha-glucosidase; Deficiency of lysosomal alpha-glucosidase. Identifiers: Orphanet 365, MedGen C0017921, MONDO:0009290, OMIM 232300.

Submission:

Labcorp Genetics (formerly Invitae), Labcorp
Classification: Uncertain significance for Glycogen storage disease, type II. Last evaluated: 2024-05-13. Review status: criteria provided, single submitter. Criteria: Invitae Variant Classification Sherloc (09022015). Collection method: clinical testing. Allele origin: germline.
Comment: This sequence change replaces threonine, which is neutral and polar, with alanine, which is neutral and non-polar, at codon 485 of the GAA protein (p.Thr485Ala). This variant is present in population databases (no rsID available, gnomAD 0.003%). This variant has not been reported in the literature in individuals affected with GAA-related conditions. Advanced modeling of protein sequence and biophysical properties (such as structural, functional, and spatial information, amino acid conservation, physicochemical variation, residue mobility, and thermodynamic stability) has been performed at Invitae for this missense variant, however the output from this modeling did not meet the statistical confidence thresholds required to predict the impact of this variant on GAA protein function. In summary, the available evidence is currently insufficient to determine the role of this variant in disease. Therefore, it has been classified as a Variant of Uncertain Significance.